The following is an entry in ClinVar:

ClinVar aggregate classification (germline): Uncertain significance (1 of 4 stars; one submission).

Conditions:
Infantile spasms. Also called: Infantile spasm. Identifiers: MedGen C3887898, HP:0012469.

Allele frequency attached by ClinVar (database versions not stated): gnomAD exomes below 0.00001.
gnomAD v4.1: 1 of 1,614,132 alleles (0.000062%); highest among the groups gnomAD compares: African/African-American, 0.0013%; no homozygotes.

Submission:

Labcorp Genetics (formerly Invitae), Labcorp
Classification: Uncertain significance for Infantile spasms. Last evaluated: 2022-07-14. Review status: criteria provided, single submitter. Criteria: Invitae Variant Classification Sherloc (09022015). Collection method: clinical testing. Allele origin: germline.
Comment: Algorithms developed to predict the effect of missense changes on protein structure and function (SIFT, PolyPhen-2, Align-GVGD) all suggest that this variant is likely to be tolerated. In summary, the available evidence is currently insufficient to determine the role of this variant in disease. Therefore, it has been classified as a Variant of Uncertain Significance. This variant has not been reported in the literature in individuals affected with PIK3AP1-related conditions. This variant is not present in population databases (gnomAD no frequency). This sequence change replaces valine, which is neutral and non-polar, with leucine, which is neutral and non-polar, at codon 206 of the PIK3AP1 protein (p.Val206Leu).

NM_152309.3(PIK3AP1):c.616G>T (p.Val206Leu)

Gene: PIK3AP1 (phosphoinositide-3-kinase adaptor protein 1; minus strand). Cytogenetic location: 10q24.1.
Variant type: single nucleotide variant.
Coding change: c.616G>T on transcript NM_152309.3 (MANE Select); coding-DNA position 616, G replaced by T.
Protein change: p.Val206Leu; replaces valine 206 with leucine.
Molecular consequence: missense variant.
Genome position (GRCh38, 1-based): chr10:96,652,794, C>A on the plus strand (G>T on the coding strand, the complement: PIK3AP1 is on the minus strand). VCF-style: chr10-96652794-C-A. GRCh37 (hg19) VCF-style: chr10-98412551-C-A.
Other names: short protein forms V206L.
Identifiers: ClinVar variation 1956960 (VCV001956960.5), dbSNP rs1008520865, ClinGen allele CA212590446.
Genomic context (GRCh38, chr10:96,652,794, plus strand): 5'-CCTTGGCTTCCATCCTTACAGAGGGAGAATCCTCAGGAGAAAACTCTGCTTCTGTCGCCA[C>A]CCTGTCATCCAGCTTACATCTCACAATAACATAGACAGTGGTTTCTGCCTGAAACGGGAA-3'
Protein context (NP_689522.2, residues 196-216): VIVRCKLDDR[Val206Leu]ATEAEFSPED